The following is an entry in ClinVar:

NM_004438.5(EPHA4):c.911C>T (p.Ala304Val)

Gene: EPHA4 (EPH receptor A4; minus strand). Cytogenetic location: 2q36.1.
Variant type: single nucleotide variant.
Coding change: c.911C>T on transcript NM_004438.5 (MANE Select); coding-DNA position 911, C replaced by T.
Protein change: p.Ala304Val; replaces alanine 304 with valine.
Molecular consequence: missense variant.
Genome position (GRCh38, 1-based): chr2:221,501,085, G>A on the plus strand (C>T on the coding strand, the complement: EPHA4 is on the minus strand). VCF-style: chr2-221501085-G-A. GRCh37 (hg19) VCF-style: chr2-222365805-G-A.
Other names: c.911C>T, p.Ala304Val (NM_001304536.2, NM_001363748.2); c.758C>T, p.Ala253Val (NM_001304537.2); short protein forms A253V, A304V.
Identifiers: ClinVar variation 1721422 (VCV001721422.5), dbSNP rs377728125, ClinGen allele CA65862964.

ClinVar aggregate classification (germline): Uncertain significance (1 of 4 stars; one submission).

Allele frequency attached by ClinVar (database versions not stated): TOPMed below 0.00001; ESP Exome Variant Server 0.00008.

Submission:

Labcorp Genetics (formerly Invitae), Labcorp
Classification: Uncertain significance. Last evaluated: 2024-10-18. Review status: criteria provided, single submitter. Criteria: Invitae Variant Classification Sherloc (09022015). Collection method: clinical testing. Allele origin: germline.
Comment: This sequence change replaces alanine, which is neutral and non-polar, with valine, which is neutral and non-polar, at codon 304 of the EPHA4 protein (p.Ala304Val). This variant is not present in population databases (gnomAD no frequency). This variant has not been reported in the literature in individuals affected with EPHA4-related conditions. ClinVar contains an entry for this variant (Variation ID: 1721422). Invitae Evidence Modeling of protein sequence and biophysical properties (such as structural, functional, and spatial information, amino acid conservation, physicochemical variation, residue mobility, and thermodynamic stability) indicates that this missense variant is not expected to disrupt EPHA4 protein function with a negative predictive value of 80%. In summary, the available evidence is currently insufficient to determine the role of this variant in disease. Therefore, it has been classified as a Variant of Uncertain Significance.